The following is an entry in ClinVar:

ClinVar aggregate classification (germline): Uncertain significance (1 of 4 stars; one submission).

gnomAD v4.1: 3 of 1,613,440 alleles (0.00019%); highest among the groups gnomAD compares: Non-Finnish European, 0.00025%; no homozygotes.

Submission:

GeneDx
Classification: Uncertain significance. Last evaluated: 2024-10-13. Review status: criteria provided, single submitter. Criteria: GeneDx Variant Classification Process June 2021. Collection method: clinical testing. Allele origin: germline. Affected: yes.
Comment: In silico analysis supports that this missense variant has a deleterious effect on protein structure/function; Not observed at significant frequency in large population cohorts (gnomAD); Has not been previously published as pathogenic or benign to our knowledge

NM_006133.3(DAGLA):c.271C>T (p.Arg91Cys)

Gene: DAGLA (diacylglycerol lipase alpha; plus strand). Cytogenetic location: 11q12.2.
Variant type: single nucleotide variant.
Coding change: c.271C>T on transcript NM_006133.3 (MANE Select); coding-DNA position 271, C replaced by T.
Protein change: p.Arg91Cys; replaces arginine 91 with cysteine.
Molecular consequence: missense variant.
Genome position (GRCh38, 1-based): chr11:61,720,854, C>T. VCF-style: chr11-61720854-C-T. GRCh37 (hg19) VCF-style: chr11-61488326-C-T.
Other names: short protein forms R91C.
Identifiers: ClinVar variation 3777292 (VCV003777292.1).